The following is an entry in ClinVar:

NM_182914.3(SYNE2):c.8422C>T (p.Leu2808=)

Gene: SYNE2 (spectrin repeat containing nuclear envelope protein 2; plus strand). Cytogenetic location: 14q23.2.
Variant type: single nucleotide variant.
Coding change: c.8422C>T on transcript NM_182914.3 (MANE Select); coding-DNA position 8422, C replaced by T.
Protein change: p.Leu2808=; no amino-acid change (leucine 2808 retained).
Molecular consequence: synonymous variant.
Genome position (GRCh38, 1-based): chr14:64,052,335, C>T. VCF-style: chr14-64052335-C-T. GRCh37 (hg19) VCF-style: chr14-64519053-C-T.
Other names: c.8422C>T, p.Leu2808= (NM_015180.6).
Identifiers: ClinVar variation 130514 (VCV000130514.25), dbSNP rs35960129, ClinGen allele CA155612.

ClinVar aggregate classification (germline): Benign. Review status: criteria provided, multiple submitters, no conflicts (2 of 4 stars). 7 submissions from 7 submitters: Benign (6). 1 of the submissions does not count toward it. Last evaluated 2026-01-26.

Conditions:
SYNE2-related disorder. Also called: SYNE2-related condition.
Emery-Dreifuss muscular dystrophy 5, autosomal dominant (EDMD5). Also called: EMERY-DREIFUSS MUSCULAR DYSTROPHY 5. Identifiers: Orphanet 261, MedGen C2751805, MONDO:0013072, OMIM 612999.

Allele frequency attached by ClinVar (database versions not stated): gnomAD 0.02039 and 0.02175; TOPMed 0.02185; ESP Exome Variant Server 0.02189; 1000 Genomes Project 0.02396; 1000 Genomes Project 30x 0.02467.
gnomAD v4.1: 6,082 of 1,614,126 alleles (0.38%); highest among the groups gnomAD compares: African/African-American, 7.1%; 195 homozygotes.

Submissions (7):

Labcorp Genetics (formerly Invitae), Labcorp
Classification: Benign for Emery-Dreifuss muscular dystrophy 5, autosomal dominant. Last evaluated: 2026-01-26. Review status: criteria provided, single submitter. Criteria: Invitae Variant Classification Sherloc (09022015). Collection method: clinical testing. Allele origin: germline.

PreventionGenetics, part of Exact Sciences
Classification: Benign for SYNE2-related condition. Last evaluated: 2025-01-06. Review status: criteria provided, single submitter. Criteria: ACMG Guidelines, 2015. Collection method: clinical testing. Allele origin: germline.
Comment: This variant is classified as benign based on ACMG/AMP sequence variant interpretation guidelines (Richards et al. 2015 PMID: 25741868, with internal and published modifications).

Athena Diagnostics
Classification: Benign. Last evaluated: 2023-10-18. Review status: criteria provided, single submitter. Criteria: Athena Diagnostics Criteria. Collection method: clinical testing. Allele origin: unknown.

GeneDx
Classification: Benign. Last evaluated: 2018-07-14. Review status: criteria provided, single submitter. Criteria: GeneDx Variant Classification Process June 2021. Collection method: clinical testing. Allele origin: germline. Affected: yes.

Illumina Laboratory Services, Illumina
Classification: Benign for Emery-Dreifuss muscular dystrophy 5, autosomal dominant. Last evaluated: 2018-01-12. Review status: criteria provided, single submitter. Criteria: ICSL Variant Classification Criteria 13 December 2019. Collection method: clinical testing. Allele origin: germline.
Comment: This variant was observed in the ICSL laboratory as part of a predisposition screen in an ostensibly healthy population. It had not been previously curated by ICSL or reported in the Human Gene Mutation Database (HGMD: prior to June 1st, 2018), and was therefore a candidate for classification through an automated scoring system. Utilizing variant allele frequency, disease prevalence and penetrance estimates, and inheritance mode, an automated score was calculated to assess if this variant is too frequent to cause the disease. Based on the score and internal cut-off values, a variant classified as benign is not then subjected to further curation. The score for this variant resulted in a classification of benign for this disease.

Breakthrough Genomics
Classification: Benign. Review status: criteria provided, single submitter. Criteria: ACMG Guidelines, 2015. Collection method: not provided. Allele origin: germline. Inheritance: Autosomal dominant inheritance. Affected: yes.

Genetic Services Laboratory, University of Chicago
Classification: Likely benign for AllHighlyPenetrant. Review status: no assertion criteria provided. Collection method: clinical testing. Allele origin: germline. Inheritance: Autosomal dominant inheritance. Not counted in ClinVar's aggregate classification.
Comment: Likely benign based on allele frequency in 1000 Genomes Project or ESP global frequency and its presence in a patient with a rare or unrelated disease phenotype. NOT Sanger confirmed.